The following is an entry in ClinVar:

ClinVar aggregate classification (germline): Uncertain significance (1 of 4 stars; one submission).

Conditions:
Autosomal recessive limb-girdle muscular dystrophy type 2J (LGMDR10). Also called: MUSCULAR DYSTROPHY, LIMB-GIRDLE, AUTOSOMAL RECESSIVE 10; Limb-girdle muscular dystrophy, type 2J. Identifiers: Orphanet 140922, MedGen C1837342, MONDO:0012127, OMIM 608807.
Dilated cardiomyopathy 1G (CMD1G). Identifiers: Orphanet 154, MedGen C1858763, MONDO:0011400, OMIM 604145.

gnomAD v4.1: 4 of 1,612,910 alleles (0.00025%); highest among the groups gnomAD compares: Admixed American, 0.005%; no homozygotes.

Submission:

Labcorp Genetics (formerly Invitae), Labcorp
Classification: Uncertain significance for Dilated cardiomyopathy 1G; Autosomal recessive limb-girdle muscular dystrophy type 2J. Last evaluated: 2021-10-15. Review status: criteria provided, single submitter. Criteria: Invitae Variant Classification Sherloc (09022015). Collection method: clinical testing. Allele origin: germline.
Comment: This sequence change replaces asparagine with serine at codon 33944 of the TTN protein (p.Asn33944Ser). There is a small physicochemical difference between asparagine and serine. This variant is located in the M band of TTN (PMID: 25589632). Variants in this region may be relevant for neuromuscular disorders, but have not been definitively shown to cause cardiomyopathy (PMID: 23975875). In summary, the available evidence is currently insufficient to determine the role of this variant in disease. Therefore, it has been classified as a Variant of Uncertain Significance. Experimental studies and prediction algorithms are not available or were not evaluated, and the functional significance of this variant is currently unknown. This variant has not been reported in the literature in individuals affected with TTN-related conditions. This variant is not present in population databases (ExAC no frequency).

Literature cited by the submitters: PubMed 25589632; PubMed 23975875.

NM_001267550.2(TTN):c.101831A>G (p.Asn33944Ser)

Genes: TTN (titin; minus strand), TTN-AS1 (TTN antisense RNA 1; plus strand). Cytogenetic location: 2q31.2.
Variant type: single nucleotide variant.
Coding change: c.101831A>G on transcript NM_001267550.2 (MANE Select); coding-DNA position 101831, A replaced by G.
Protein change: p.Asn33944Ser; replaces asparagine 33944 with serine.
Molecular consequence: missense variant.
Genome position (GRCh38, 1-based): chr2:178,534,784, T>C on the plus strand (A>G on the coding strand, the complement: TTN is on the minus strand). VCF-style: chr2-178534784-T-C. GRCh37 (hg19) VCF-style: chr2-179399511-T-C.
Other names: c.96908A>G, p.Asn32303Ser (NM_001256850.1); c.74636A>G, p.Asn24879Ser (NM_003319.4); c.94127A>G, p.Asn31376Ser (NM_133378.4); c.75011A>G, p.Asn25004Ser (NM_133432.3); c.75212A>G, p.Asn25071Ser (NM_133437.4); short protein forms N32303S, N25004S, N33944S, N25071S, N31376S, N24879S.
Identifiers: ClinVar variation 1408391 (VCV001408391.6), dbSNP rs2154136201, ClinGen allele CA349419284.
Genomic context (GRCh38, chr2:178,534,784, plus strand): 5'-CGGGCTTGACCAAATTCTATGATTTTAATGGTAGAGCTTCTTCTGGTTTGGTAAATGATA[T>C]TTTCTGGTCTAATGTCAAAGTGTCCAATATTATGACTGTGTAAAAACTGAAGTGCTTCAC-3'
Protein context (NP_001254479.2, residues 33934-33954): NIGHFDIRPE[Asn33944Ser]IIYQTRRSST